The following is an entry in ClinVar:

NM_000057.4(BLM):c.357_358del (p.Cys120fs)

Gene: BLM (BLM RecQ like helicase; plus strand). Cytogenetic location: 15q26.1.
Variant type: Deletion.
Coding change: c.357_358del on transcript NM_000057.4 (MANE Select); coding-DNA positions 357 to 358, 2 bases deleted (AT; older notation c.357_358delAT).
Protein change: p.Cys120fs; shifts the reading frame from cysteine 120.
Molecular consequence: frameshift variant. On other transcripts: 5 prime UTR variant (1).
Genome position (GRCh38, 1-based): chr15:90,749,625-90,749,626, AT deleted; deleting any 2 consecutive bases within chr15:90,749,624-90,749,626 gives the same sequence; the c. name uses the placement nearest the transcript's 3' end. VCF-style (leftmost placement, unchanged base first): chr15-90749623-GTA-G. GRCh37 (hg19) VCF-style: chr15-91292853-GTA-G.
Other names: c.357_358del, p.Cys120fs (NM_001287246.2, NM_001287247.2); c.-935_-934del (NM_001287248.2); c.357_358delAT (NM_000057.3); short protein forms C120fs.
Identifiers: ClinVar variation 1071612 (VCV001071612.13), dbSNP rs748186908, ClinGen allele CA7738282.

ClinVar aggregate classification (germline): Pathogenic/Likely pathogenic. Review status: criteria provided, multiple submitters, no conflicts (2 of 4 stars). 5 submissions from 5 submitters: Pathogenic (2); Likely pathogenic (3). Last evaluated 2025-12-22.

Conditions:
Bloom syndrome (BLM). Also called: Bloom-Torre-Machacek syndrome. Identifiers: Orphanet 125, MedGen C0005859, MONDO:0008876, OMIM 210900.

Submissions (5):

Kasturba Medical College, Manipal, Kasturba Medical College, Manipal, Manipal Academy of Higher Education, Manipal, India
Classification: Likely pathogenic for Bloom syndrome. Last evaluated: 2025-12-22. Review status: criteria provided, single submitter. Criteria: ACMG Guidelines, 2015. Collection method: research. Allele origin: biparental. Inheritance: Autosomal recessive inheritance. Affected: yes.
Comment: This variant is observed in heterozygous state in 8 individuals in gnomAD database (v4.1.0) and absent in our in-house database of 3871 exomes. This deletion is likely to cause a shift in the reading frame and result in premature truncation of the transcript. This may either lead to nonsense medicated mRNA decay of the transcript or the formation of a truncated protein product. This variant is reported in ClinVar as pathogenic/likely pathogenic by three submitters causing Bloom syndrome (ClinVar Accession ID: VCV001071612.11).

Labcorp Genetics (formerly Invitae), Labcorp
Classification: Pathogenic for Bloom syndrome. Last evaluated: 2025-05-09. Review status: criteria provided, single submitter. Criteria: Invitae Variant Classification Sherloc (09022015). Collection method: clinical testing. Allele origin: germline.
Comment: This sequence change creates a premature translational stop signal (p.Cys120Hisfs*22) in the BLM gene. It is expected to result in an absent or disrupted protein product. Loss-of-function variants in BLM are known to be pathogenic (PMID: 17407155). This variant is present in population databases (rs748186908, gnomAD 0.02%). This variant has not been reported in the literature in individuals affected with BLM-related conditions. ClinVar contains an entry for this variant (Variation ID: 1071612). For these reasons, this variant has been classified as Pathogenic.

Natera, Inc.
Classification: Likely pathogenic for Bloom syndrome. Last evaluated: 2025-03-06. Review status: criteria provided, single submitter. Criteria: Natera Variant Classification Schema (03/2026). Collection method: clinical testing. Allele origin: germline.
Comment: The c.357_358delAT variant in BLM is a frameshift variant predicted to shift the reading frame beginning at codon 120 and leads to a stop codon 22 codons downstream. This variant is expected to result in nonsense mediated decay, truncation, or a dysfunctional protein product. This variant is rare in the general population with a frequency below the threshold expected for the associated phenotype(s). Given the available evidence, this variant is classified as Likely Pathogenic.

Baylor Genetics
Classification: Pathogenic for Bloom syndrome. Last evaluated: 2024-01-29. Review status: criteria provided, single submitter. Criteria: ACMG Guidelines, 2015. Collection method: clinical testing. Allele origin: unknown.

Fulgent Genetics
Classification: Likely pathogenic for Bloom syndrome. Last evaluated: 2022-05-10. Review status: criteria provided, single submitter. Criteria: ACMG Guidelines, 2015. Collection method: clinical testing. Allele origin: unknown.

Literature cited by the submitters: PubMed 17407155 (cited by Labcorp Genetics (formerly Invitae), Labcorp).